The following is an entry in ClinVar:

NM_001204.7(BMPR2):c.2180C>T (p.Ala727Val)

Gene: BMPR2 (bone morphogenetic protein receptor type 2; plus strand). Cytogenetic location: 2q33.2.
Variant type: single nucleotide variant.
Coding change: c.2180C>T on transcript NM_001204.7 (MANE Select); coding-DNA position 2180, C replaced by T.
Protein change: p.Ala727Val; replaces alanine 727 with valine.
Molecular consequence: missense variant.
Genome position (GRCh38, 1-based): chr2:202,555,845, C>T. VCF-style: chr2-202555845-C-T. GRCh37 (hg19) VCF-style: chr2-203420568-C-T.
Other names: short protein forms A727V.
Identifiers: ClinVar variation 4597575 (VCV004597575.1).

ClinVar aggregate classification (germline): Uncertain significance (1 of 4 stars; one submission).

Conditions:
Inborn genetic diseases. Identifiers: MedGen C0950123, MeSH D030342.

Submission:

Ambry Genetics
Classification: Uncertain significance for Inborn genetic diseases. Last evaluated: 2025-10-30. Review status: criteria provided, single submitter. Criteria: Ambry Variant Classification Scheme 2023. Collection method: clinical testing. Allele origin: germline.
Comment: The p.A727V variant (also known as c.2180C>T), located in coding exon 12 of the BMPR2 gene, results from a C to T substitution at nucleotide position 2180. The alanine at codon 727 is replaced by valine, an amino acid with similar properties. This amino acid position is conserved. In addition, this alteration is predicted to be tolerated by in silico analysis. Based on the available evidence, the clinical significance of this variant remains unclear.